The following is an entry in ClinVar:

NM_015404.4(WHRN):c.1892C>T (p.Ala631Val)

Gene: WHRN (whirlin; minus strand). Cytogenetic location: 9q32.
Variant type: single nucleotide variant.
Coding change: c.1892C>T on transcript NM_015404.4 (MANE Select); coding-DNA position 1892, C replaced by T.
Protein change: p.Ala631Val; replaces alanine 631 with valine.
Molecular consequence: missense variant.
Genome position (GRCh38, 1-based): chr9:114,406,699, G>A on the plus strand (C>T on the coding strand, the complement: WHRN is on the minus strand). VCF-style: chr9-114406699-G-A. GRCh37 (hg19) VCF-style: chr9-117168979-G-A.
Other names: c.743C>T, p.Ala248Val (NM_001083885.3); c.1892C>T, p.Ala631Val (NM_001173425.2); c.839C>T, p.Ala280Val (NM_001346890.1); short protein forms A631V, A280V, A248V.
Identifiers: ClinVar variation 364685 (VCV000364685.13), dbSNP rs141168514, ClinGen allele CA5205787.

ClinVar aggregate classification (germline): Uncertain significance. Review status: criteria provided, multiple submitters, no conflicts (2 of 4 stars). 4 submissions from 3 submitters: Uncertain significance (4). Last evaluated 2024-09-25.

Conditions:
Usher syndrome type 2D. Also called: USHER SYNDROME, TYPE IID. Identifiers: Orphanet 231178, Orphanet 886, MedGen C1568249, MONDO:0012662, OMIM 611383.
Autosomal recessive nonsyndromic hearing loss 31. Also called: WHIRLER, MOUSE, HOMOLOG OF. Identifiers: Orphanet 90636, MedGen C1846839, MONDO:0011767, OMIM 607084.

Allele frequency attached by ClinVar (database versions not stated): gnomAD 0.00005 and 0.00010; ESP Exome Variant Server 0.00008; TOPMed 0.00009; ExAC 0.00017; gnomAD exomes 0.00021; 1000 Genomes Project 30x 0.00078; 1000 Genomes Project 0.00080.
gnomAD v4.1: 118 of 1,614,044 alleles (0.0073%); highest among the groups gnomAD compares: East Asian, 0.22%; no homozygotes.

Submissions (4):

Blueprint Genetics
Classification: Uncertain significance. Last evaluated: 2024-09-25. Review status: criteria provided, single submitter. Criteria: ACMG Guidelines, 2015. Collection method: clinical testing. Allele origin: germline.

Labcorp Genetics (formerly Invitae), Labcorp
Classification: Uncertain significance. Last evaluated: 2023-10-13. Review status: criteria provided, single submitter. Criteria: Invitae Variant Classification Sherloc (09022015). Collection method: clinical testing. Allele origin: germline.
Comment: This sequence change replaces alanine, which is neutral and non-polar, with valine, which is neutral and non-polar, at codon 631 of the WHRN protein (p.Ala631Val). The frequency data for this variant in the population databases is considered unreliable, as metrics indicate poor data quality at this position in the gnomAD database. This missense change has been observed in individual(s) with deafness (PMID: 35114279). ClinVar contains an entry for this variant (Variation ID: 364685). Algorithms developed to predict the effect of missense changes on protein structure and function output the following: SIFT: "Not Available"; PolyPhen-2: "Benign"; Align-GVGD: "Not Available". The valine amino acid residue is found in multiple mammalian species, which suggests that this missense change does not adversely affect protein function. In summary, the available evidence is currently insufficient to determine the role of this variant in disease. Therefore, it has been classified as a Variant of Uncertain Significance.

Illumina Laboratory Services, Illumina
Classification: Uncertain significance for Usher syndrome type 2D. Last evaluated: 2018-01-12. Review status: criteria provided, single submitter. Criteria: ICSL Variant Classification Criteria 13 December 2019. Collection method: clinical testing. Allele origin: germline.

Illumina Laboratory Services, Illumina
Classification: Uncertain significance for Autosomal recessive nonsyndromic hearing loss 31. Last evaluated: 2018-01-12. Review status: criteria provided, single submitter. Criteria: ICSL Variant Classification Criteria 13 December 2019. Collection method: clinical testing. Allele origin: germline.

Literature cited by the submitters: PubMed 35114279 (cited by Labcorp Genetics (formerly Invitae), Labcorp).